The following is an entry in ClinVar:

NM_004415.4(DSP):c.5402_5424delinsTGA (p.Ser1801fs)

Gene: DSP (desmoplakin; plus strand). Cytogenetic location: 6p24.3.
Variant type: Indel.
Coding change: c.5402_5424delinsTGA on transcript NM_004415.4 (MANE Select); coding-DNA positions 5402 to 5424, CAAAGAATCAGTGTACTCAGGTG replaced by TGA.
Protein change: p.Ser1801fs; shifts the reading frame from serine 1801.
Molecular consequence: frameshift variant.
Genome position (GRCh38, 1-based): chr6:7,582,664-7,582,686, CAAAGAATCAGTGTACTCAGGTG replaced by TGA. VCF-style: chr6-7582664-CAAAGAATCAGTGTACTCAGGTG-TGA. GRCh37 (hg19) VCF-style: chr6-7582897-CAAAGAATCAGTGTACTCAGGTG-TGA.
Other names: c.3605_3627delinsTGA, p.Ser1202fs (NM_001008844.3); c.4073_4095delinsTGA, p.Ser1358fs (NM_001319034.2); short protein forms S1202fs, S1358fs, S1801fs.
Identifiers: ClinVar variation 1747317 (VCV001747317.2), dbSNP rs2533935849, ClinGen allele CA2580075440.

ClinVar aggregate classification (germline): Pathogenic (1 of 4 stars; one submission).

Conditions:
Cardiovascular phenotype. Identifiers: MedGen CN230736.

Submission:

Ambry Genetics
Classification: Pathogenic for Cardiovascular phenotype. Last evaluated: 2021-12-11. Review status: criteria provided, single submitter. Criteria: Ambry Variant Classification Scheme 2023. Collection method: clinical testing. Allele origin: germline.
Comment: The c.5402_5424del23insTGA pathogenic mutation, located in coding exon 24 of the DSP gene, results from the deletion of 23 nucleotides and insertion of 3 nucleotides causing a translational frameshift with a predicted alternate stop codon (p.S1801Lfs*28). This alteration occurs at the 3' terminus of theDSP gene, is not expected to trigger nonsense-mediated mRNA decay, and only impacts the last 37% of the protein. However, premature stop codons are typically deleterious in nature and the impacted region is critical for protein function (Ambry internal data). Alterations in DSP that result in haploinsufficiency or protein truncation have been reported in patients with arrhythmogenic right ventricular cardiomyopathy (ARVC) and dilated cardiomyopathy (DCM) (Fressart V et al. Europace. 2010;12(6):861-8; Elliott P et al. Circ Cardiovasc Genet. 2010;3(4):314-22; Quarta G et al. Circulation. 2011;123(23):2701-9; Garcia-Pavia P et al. Heart. 2011;97(21):1744-52; Rasmussen TB et al. Clin Genet. 2013;84(1):20-30; Pugh TJ et al. Genet Med. 2014;16(8):601-8). This variant is considered to be rare based on population cohorts in the Genome Aggregation Database (gnomAD). Based on the supporting evidence, this alteration is interpreted as a disease-causing mutation.